The following is an entry in ClinVar:

ClinVar aggregate classification (germline): Conflicting classifications of pathogenicity. Review status: criteria provided, conflicting classifications (1 of 4 stars). 4 submissions from 4 submitters: Uncertain significance (2); Likely benign (2). Last evaluated 2026-04-09.

Conditions:
Inborn genetic diseases. Identifiers: MedGen C0950123, MeSH D030342.

Allele frequency attached by ClinVar (database versions not stated): gnomAD 0.00005; ExAC 0.00006; 1000 Genomes Project 30x 0.00016; 1000 Genomes Project 0.00020.

Submissions (4):

GeneDx
Classification: Uncertain significance. Last evaluated: 2026-04-09. Review status: criteria provided, single submitter. Criteria: GeneDx Variant Classification Process June 2021. Collection method: clinical testing. Allele origin: germline.
Comment: In silico analysis suggests that this missense variant does not alter protein structure/function; Has not been previously published as pathogenic or benign to our knowledge

Ambry Genetics
Classification: Likely benign for Inborn genetic diseases. Last evaluated: 2026-02-25. Review status: criteria provided, single submitter. Criteria: Ambry Variant Classification Scheme 2023. Collection method: clinical testing. Allele origin: germline.

CeGaT Center for Human Genetics Tuebingen
Classification: Likely benign. Last evaluated: 2022-08-01. Review status: criteria provided, single submitter. Criteria: CeGaT Center For Human Genetics Tuebingen Variant Classification Criteria Version 2. Collection method: clinical testing. Allele origin: germline. Affected: yes. Observed: 1 variant allele.
Comment: AFG3L2: BP4, BS1:Supporting

Labcorp Genetics (formerly Invitae), Labcorp
Classification: Uncertain significance. Last evaluated: 2022-05-21. Review status: criteria provided, single submitter. Criteria: Invitae Variant Classification Sherloc (09022015). Collection method: clinical testing. Allele origin: germline.
Comment: In summary, the available evidence is currently insufficient to determine the role of this variant in disease. Therefore, it has been classified as a Variant of Uncertain Significance. Advanced modeling of protein sequence and biophysical properties (such as structural, functional, and spatial information, amino acid conservation, physicochemical variation, residue mobility, and thermodynamic stability) performed at Invitae indicates that this missense variant is not expected to disrupt AFG3L2 protein function. This variant has not been reported in the literature in individuals affected with AFG3L2-related conditions. The frequency data for this variant in the population databases is considered unreliable, as metrics indicate poor data quality at this position in the gnomAD database. This sequence change replaces methionine, which is neutral and non-polar, with valine, which is neutral and non-polar, at codon 158 of the AFG3L2 protein (p.Met158Val).

NM_006796.3(AFG3L2):c.472A>G (p.Met158Val)

Gene: AFG3L2 (AFG3 like matrix AAA peptidase subunit 2; minus strand). Cytogenetic location: 18p11.21.
Variant type: single nucleotide variant.
Coding change: c.472A>G on transcript NM_006796.3 (MANE Select); coding-DNA position 472, A replaced by G.
Protein change: p.Met158Val; replaces methionine 158 with valine.
Molecular consequence: missense variant.
Genome position (GRCh38, 1-based): chr18:12,367,045, T>C on the plus strand (A>G on the coding strand, the complement: AFG3L2 is on the minus strand). VCF-style: chr18-12367045-T-C. GRCh37 (hg19) VCF-style: chr18-12367044-T-C.
Other names: short protein forms M158V.
Identifiers: ClinVar variation 1918477 (VCV001918477.30), dbSNP rs559781535, ClinGen allele CA8896726.